The following is an entry in ClinVar:

NC_000013.10:g.(?_32950801)_(32954288_?)del

Gene: BRCA2 (BRCA2 DNA repair associated; plus strand). Cytogenetic location: 13q13.1.
Variant type: Deletion.
Identifiers: ClinVar variation 1076213 (VCV001076213.8).

ClinVar aggregate classification (germline): Pathogenic (1 of 4 stars; one submission).

Conditions:
Hereditary breast ovarian cancer syndrome. Also called: Hereditary breast and ovarian cancer; Breast and ovarian cancer; BRCA1- and BRCA2-Associated Hereditary Breast and Ovarian Cancer; Hereditary breast and/or ovarian cancer syndrome; Hereditary breast and ovarian cancer syndrome; Hereditary breast and ovarian cancer syndrome (HBOC). Identifiers: Orphanet 145, MedGen C0677776, MeSH D061325, MONDO:0003582. Disease mechanism: loss of function.

Submission:

Labcorp Genetics (formerly Invitae), Labcorp
Classification: Pathogenic for Hereditary breast ovarian cancer syndrome. Last evaluated: 2021-08-12. Review status: criteria provided, single submitter. Criteria: Invitae Variant Classification Sherloc (09022015). Collection method: clinical testing. Allele origin: germline.
Comment: This variant is a gross deletion of the genomic region encompassing exon(s) 21-24 of the BRCA2 gene. This variant would be expected to be in-frame, preserving the integrity of the reading frame. This variant has not been reported in the literature in individuals affected with BRCA2-related conditions. This variant disrupts a region of the BRCA2 protein in which other variant(s) (deletions overlapping exons 21-24) have been determined to be pathogenic (PMID: 20616022, 22544547). This suggests that this is a clinically significant region of the protein, and that variants that disrupt it are likely to be disease-causing. For these reasons, this variant has been classified as Pathogenic.

Literature cited by the submitters: PubMed 20616022; PubMed 22544547.